The following is an entry in ClinVar:

ClinVar aggregate classification (germline): Uncertain significance. Review status: criteria provided, multiple submitters, no conflicts (2 of 4 stars). 3 submissions from 3 submitters: Uncertain significance (3). Last evaluated 2023-10-10.

Conditions:
Inborn genetic diseases. Identifiers: MedGen C0950123, MeSH D030342.
Hereditary sensory and autonomic neuropathy type 6. Also called: Neuropathy, hereditary sensory and autonomic, type VI; HSAN VI. Identifiers: Orphanet 314381, MedGen C3539003, MONDO:0013839, OMIM 614653.
Epidermolysis bullosa simplex 3, localized or generalized intermediate, with BP230 deficiency (EBS3). Also called: Epidermolysis bullosa simplex, autosomal recessive 2; Epidermolysis bullosa simplex due to BP230 deficiency. Identifiers: Orphanet 412181, MedGen C3809470, MONDO:0014180, OMIM 615425.

Allele frequency attached by ClinVar (database versions not stated): gnomAD exomes 0.00007 and 0.00010; TOPMed 0.00007; gnomAD 0.00012 and 0.00014; ExAC 0.00013; ESP Exome Variant Server 0.00025.
gnomAD v4.1: 121 of 1,612,798 alleles (0.0075%); highest among the groups gnomAD compares: Non-Finnish European, 0.0093%; no homozygotes.

Submissions (3):

Ambry Genetics
Classification: Uncertain significance for Inborn genetic diseases. Last evaluated: 2023-10-10. Review status: criteria provided, single submitter. Criteria: Ambry Variant Classification Scheme 2023. Collection method: clinical testing. Allele origin: germline.

Labcorp Genetics (formerly Invitae), Labcorp
Classification: Uncertain significance for Epidermolysis bullosa simplex 3, localized or generalized intermediate, with BP230 deficiency; Hereditary sensory and autonomic neuropathy type 6. Last evaluated: 2022-11-03. Review status: criteria provided, single submitter. Criteria: Invitae Variant Classification Sherloc (09022015). Collection method: clinical testing. Allele origin: germline.
Comment: The DST gene has multiple clinically relevant transcripts. This variant occurs in alternate transcript NM_015548.4, and corresponds to NM_001723.5:c.*114383G>T in the primary transcript. This sequence change replaces glutamine, which is neutral and polar, with histidine, which is basic and polar, at codon 3991 of the DST protein (p.Gln3991His). This variant is present in population databases (rs376562335, gnomAD 0.02%). This variant has not been reported in the literature in individuals affected with DST-related conditions. ClinVar contains an entry for this variant (Variation ID: 966450). Experimental studies and prediction algorithms are not available or were not evaluated, and the functional significance of this variant is currently unknown. In summary, the available evidence is currently insufficient to determine the role of this variant in disease. Therefore, it has been classified as a Variant of Uncertain Significance.

Mayo Clinic Laboratories, Mayo Clinic
Classification: Uncertain significance. Last evaluated: 2022-02-23. Review status: criteria provided, single submitter. Criteria: ACMG Guidelines, 2015. Collection method: clinical testing. Allele origin: germline. Observed: 1 variant allele.
Comment: PM2

NM_001374736.1(DST):c.19842G>T (p.Gln6614His)

Gene: DST (dystonin; minus strand). Cytogenetic location: 6p12.1.
Variant type: single nucleotide variant.
Coding change: c.19842G>T on transcript NM_001374736.1 (MANE Select); coding-DNA position 19842, G replaced by T.
Protein change: p.Gln6614His; replaces glutamine 6614 with histidine.
Molecular consequence: missense variant.
Genome position (GRCh38, 1-based): chr6:56,501,134, C>A on the plus strand (G>T on the coding strand, the complement: DST is on the minus strand). VCF-style: chr6-56501134-C-A. GRCh37 (hg19) VCF-style: chr6-56365932-C-A.
Other names: p.Gln3991His; c.13485G>T, p.Gln4495His (NM_001144769.5); c.13071G>T, p.Gln4357His (NM_001144770.2); c.19842G>T, p.Gln6614His (NM_001374722.1); c.18882G>T, p.Gln6294His (NM_001374729.1); c.12624G>T, p.Gln4208His (NM_001374730.1); c.19869G>T, p.Gln6623His (NM_001374734.1); c.11973G>T, p.Gln3991His (NM_015548.5); and 1 more; short protein forms Q4357H, Q6614H, Q3991H, Q4495H, Q6623H, Q4208H, Q4317H, Q6294H.
Identifiers: ClinVar variation 966450 (VCV000966450.8), dbSNP rs376562335, ClinGen allele CA3866905.
Genomic context (GRCh38, chr6:56,501,134, plus strand): 5'-ACGTACATGATGCTTGGCAAGTTCAATTTCAATGGCTTTAGGGTCTCCTCCAACAGGTTT[C>A]TGCTCACTTAGCAAGCCCTCGGTGTGTGTCAGCCATGCCAGGAGCTCATCCAGGGCATGT-3'
Protein context (NP_001361665.1, residues 6604-6624): LTHTEGLLSE[Gln6614His]KPVGGDPKAI